The following is an entry in ClinVar:

ClinVar aggregate classification (germline): Conflicting classifications of pathogenicity. Review status: criteria provided, conflicting classifications (1 of 4 stars). 13 submissions from 13 submitters: Uncertain significance (1); Benign (6); Likely benign (6). Last evaluated 2026-02-04.

Conditions:
Pheochromocytoma/paraganglioma syndrome 4. Also called: SDHB-Related Hereditary Paraganglioma-Pheochromocytoma Syndrome (Paragangliomas 4); PARAGANGLIOMA, FAMILIAL MALIGNANT; PARAGANGLIOMAS, HEREDITARY EXTRAADRENAL; PHEOCHROMOCYTOMA, FAMILIAL EXTRAADRENAL; Paragangliomas 4; CAROTID BODY TUMORS AND MULTIPLE EXTRAADRENAL PHEOCHROMOCYTOMAS. Identifiers: Orphanet 29072, MedGen C1861848, MONDO:0007273, OMIM 115310.
Pheochromocytoma. Also called: MAX-Related Hereditary Paraganglioma-Pheochromocytoma Syndrome. Identifiers: Orphanet 29072, MedGen C0031511, MONDO:0008233, OMIM 171300, HP:0002666.
Gastrointestinal stromal tumor. Also called: Gastrointestinal stroma tumor; Gastrointestinal stromal tumor, somatic. Identifiers: Orphanet 44890, MedGen C0238198, MeSH D046152, MONDO:0011719, OMIM 606764, HP:0100723.
Hereditary cancer-predisposing syndrome. Also called: Tumor predisposition; Neoplastic Syndromes, Hereditary; Hereditary neoplastic syndrome; Hereditary Cancer Syndrome. Identifiers: Orphanet 140162, MedGen C0027672, MeSH D009386, MONDO:0015356.
Hereditary pheochromocytoma and paraganglioma. Also called: Hereditary paragangliomas and pheochromocytomas; Hereditary Paraganglioma-Pheochromocytoma Syndromes; Hereditary pheochromocytoma-paraganglioma. Identifiers: Orphanet 29072, MedGen C4274332, MONDO:0017366.

Submissions (13):

Labcorp Genetics (formerly Invitae), Labcorp
Classification: Benign for Gastrointestinal stromal tumor; Pheochromocytoma/paraganglioma syndrome 4; Pheochromocytoma. Last evaluated: 2026-02-04. Review status: criteria provided, single submitter. Criteria: Invitae Variant Classification Sherloc (09022015). Collection method: clinical testing. Allele origin: germline.

Myriad Genetics, Inc.
Classification: Benign for Pheochromocytoma/paraganglioma syndrome 4. Last evaluated: 2025-03-12. Review status: criteria provided, single submitter. Criteria: Myriad Autosomal Dominant, Autosomal Recessive and X-Linked Classification Criteria (2023). Collection method: clinical testing. Allele origin: unknown.
Comment: This variant is considered benign. This variant is intronic and is not expected to impact mRNA splicing.

Center for Genomic Medicine, Rigshospitalet, Copenhagen University Hospital
Classification: Likely benign. Last evaluated: 2025-03-04. Review status: criteria provided, single submitter. Criteria: ACMG Guidelines, 2015. Collection method: clinical testing. Allele origin: germline.

Blueprint Genetics
Classification: Likely benign. Last evaluated: 2024-11-22. Review status: criteria provided, single submitter. Criteria: ACMG Guidelines, 2015. Collection method: clinical testing. Allele origin: germline.

All of Us Research Program, National Institutes of Health
Classification: Benign for Hereditary pheochromocytoma and paraganglioma. Last evaluated: 2024-02-05. Review status: criteria provided, single submitter. Criteria: ACMG Guidelines, 2015. Collection method: clinical testing. Allele origin: germline. Inheritance: Autosomal dominant inheritance. Observed: 252 variant alleles, 250 heterozygotes, 2 homozygotes.
Comment: This study involves interpretation of variants in research participants for the purpose of population health screening. Participant phenotype was not available at the time of variant classification. Additional details can be found in publication PMID: 35346344, PMCID: PMC8962531

Department of Pathology and Laboratory Medicine, Sinai Health System
Classification: Likely benign for Gastrointestinal stromal tumor. Last evaluated: 2023-11-16. Review status: criteria provided, single submitter. Criteria: ACMG Guidelines, 2015. Collection method: clinical testing. Allele origin: germline. Affected: yes.

GeneDx
Classification: Likely benign. Last evaluated: 2023-02-03. Review status: criteria provided, single submitter. Criteria: GeneDx Variant Classification Process June 2021. Collection method: clinical testing. Allele origin: germline. Affected: yes.
Comment: See Variant Classification Assertion Criteria.

Color Diagnostics, LLC DBA Color Health
Classification: Benign for Hereditary pheochromocytoma and paraganglioma. Last evaluated: 2022-09-21. Review status: criteria provided, single submitter. Criteria: ACMG Guidelines, 2015. Collection method: clinical testing. Allele origin: germline.

CeGaT Center for Human Genetics Tuebingen
Classification: Likely benign. Last evaluated: 2022-06-01. Review status: criteria provided, single submitter. Criteria: CeGaT Center For Human Genetics Tuebingen Variant Classification Criteria Version 2. Collection method: clinical testing. Allele origin: germline. Affected: yes. Observed: 2 variant alleles.
Comment: SDHB: BP4, BS1

ARUP Laboratories, Molecular Genetics and Genomics, ARUP Laboratories
Classification: Likely benign. Last evaluated: 2022-03-01. Review status: criteria provided, single submitter. Criteria: ARUP Molecular Germline Variant Investigation Process 2021. Collection method: clinical testing. Allele origin: germline.

Sema4
Classification: Benign for Hereditary cancer-predisposing syndrome. Last evaluated: 2020-12-14. Review status: criteria provided, single submitter. Criteria: Sema4 Curation Guidelines. Collection method: curation. Allele origin: germline.

Laboratory for Molecular Medicine, Mass General Brigham Personalized Medicine
Classification: Uncertain significance. Last evaluated: 2012-12-06. Review status: criteria provided, single submitter. Criteria: LMM Criteria. Collection method: clinical testing. Allele origin: germline. Observed: 1 variant allele.
Comment: Variant classified as Uncertain Significance - Favor Benign. The 424-16_424-14du pTTC variant in SDHB has not been previously identified by our laboratory or in the literature. This variant is located in the 3' splice region. Computational t ools do not suggest an impact to splicing. However, this information is not pred ictive enough to rule out pathogenicity. In summary, although this data supports that the 424-16_424-14dupTTC variant may be benign, additional studies are need ed to fully assess its clinical significance.

PreventionGenetics, part of Exact Sciences
Classification: Benign. Review status: criteria provided, single submitter. Criteria: ACMG Guidelines, 2015. Collection method: clinical testing. Allele origin: germline.

NM_003000.2(SDHB):c.424-16_424-14dup

Gene: SDHB (succinate dehydrogenase complex iron sulfur subunit B; minus strand). Cytogenetic location: 1p36.13.
Variant type: Microsatellite.
Coding change: c.424-16_424-14dup on transcript NM_003000.2; 16 bases into the intron before coding-DNA position 424 through 14 bases into the intron before coding-DNA position 424, 3 bases duplicated (TTC; older notation c.424-16_424-14dupTTC).
Molecular consequence: intron variant (on NM_003000.3).
Genome position (GRCh38, 1-based): chr1:17,027,879-17,027,881, GAA duplicated on the plus strand (TTC on the coding strand, the reverse complement: SDHB is on the minus strand); duplicating any 3 consecutive bases within chr1:17,027,879-17,027,902 gives the same sequence; the c. name uses the placement nearest the transcript's 3' end. VCF-style (leftmost placement, unchanged base first): chr1-17027878-G-GGAA. GRCh37 (hg19) VCF-style: chr1-17354373-G-GGAA.
Other names: c.424-16_424-14dupTTC (NM_003000.3, NM_003000.2); c.424-16_424-14dup (NM_003000.3); c.424-37TTC[9] (NM_003000.3).
Identifiers: ClinVar variation 44644 (VCV000044644.82), dbSNP rs34261028, ClinGen allele CA134779.
Genomic context (GRCh38, chr1:17,027,878, plus strand): 5'-CAAATAAGGCTCAATGGATTTGTACTGTGCATAGAAGTTGCTCAAATCCTGTGGTTAAGA[G>GGAA]GAAGAAGAAGAAGAAGAAGAAGAAAAGGATCAGATTCCATCATCACCTCAGCTTTATTTA-3'